The following is an entry in ClinVar:

NM_003482.4(KMT2D):c.10930C>T (p.Pro3644Ser)

Gene: KMT2D (lysine methyltransferase 2D; minus strand). Cytogenetic location: 12q13.12.
Variant type: single nucleotide variant.
Coding change: c.10930C>T on transcript NM_003482.4 (MANE Select); coding-DNA position 10930, C replaced by T.
Protein change: p.Pro3644Ser; replaces proline 3644 with serine.
Molecular consequence: missense variant.
Genome position (GRCh38, 1-based): chr12:49,033,775, G>A on the plus strand (C>T on the coding strand, the complement: KMT2D is on the minus strand). VCF-style: chr12-49033775-G-A. GRCh37 (hg19) VCF-style: chr12-49427558-G-A.
Other names: short protein forms P3644S.
Identifiers: ClinVar variation 1302051 (VCV001302051.2), dbSNP rs1943074670, ClinGen allele CA384724835.
Genomic context (GRCh38, chr12:49,033,775, plus strand): 5'-GTGCCATACCCCCAGGGGTCAGGCGAAGACCTCCGGCTTGCCCACCCGGAGGCCCCTGTG[G>A]TGGCTGCAGCCCATGGCCAGGGAGCAGCTGACCAGGGAGCTTGGTGAGCAGCCGGGGACT-3'
Protein context (NP_003473.3, residues 3634-3654): QLLPGHGLQP[Pro3644Ser]QGPPGGQAGG

ClinVar aggregate classification (germline): Uncertain significance (1 of 4 stars; one submission).

Allele frequency attached by ClinVar (database versions not stated): gnomAD exomes below 0.00001; TOPMed below 0.00001; gnomAD 0.00001.
gnomAD v4.1: 2 of 1,608,820 alleles (0.00012%); highest among the groups gnomAD compares: African/African-American, 0.0027%; no homozygotes.

Submission:

GeneDx
Classification: Uncertain significance. Last evaluated: 2019-05-02. Review status: criteria provided, single submitter. Criteria: GeneDx Variant Classification Process June 2021. Collection method: clinical testing. Allele origin: germline. Affected: yes.
Comment: Not observed in large population cohorts (Lek et al., 2016); In silico analysis, which includes protein predictors and evolutionary conservation, supports a deleterious effect; Has not been previously published as pathogenic or benign to our knowledge